The following is an entry in ClinVar:

NM_152564.5(VPS13B):c.10804A>T (p.Thr3602Ser)

Gene: VPS13B (vacuolar protein sorting 13 homolog B; plus strand). Cytogenetic location: 8q22.2.
Variant type: single nucleotide variant.
Coding change: c.10804A>T on transcript NM_152564.5 (MANE Select); coding-DNA position 10804, A replaced by T.
Protein change: p.Thr3602Ser; replaces threonine 3602 with serine.
Molecular consequence: missense variant.
Genome position (GRCh38, 1-based): chr8:99,854,193, A>T. VCF-style: chr8-99854193-A-T. GRCh37 (hg19) VCF-style: chr8-100866421-A-T.
Other names: c.10879A>T, p.Thr3627Ser (NM_017890.5); short protein forms T3602S, T3627S.
Identifiers: ClinVar variation 2013701 (VCV002013701.4), dbSNP rs2492240955, ClinGen allele CA371786172.

ClinVar aggregate classification (germline): Uncertain significance (1 of 4 stars; one submission).

Conditions:
Cohen syndrome (COH1). Also called: PEPPER SYNDROME; Cutis verticis gyrata, retinitis pigmentosa, and sensorineural deafness. Identifiers: Orphanet 193, MedGen C0265223, MONDO:0008999, OMIM 216550.

Submission:

Labcorp Genetics (formerly Invitae), Labcorp
Classification: Uncertain significance for Cohen syndrome. Last evaluated: 2023-11-27. Review status: criteria provided, single submitter. Criteria: Invitae Variant Classification Sherloc (09022015). Collection method: clinical testing. Allele origin: germline.
Comment: This sequence change replaces threonine, which is neutral and polar, with serine, which is neutral and polar, at codon 3627 of the VPS13B protein (p.Thr3627Ser). This variant is not present in population databases (gnomAD no frequency). This variant has not been reported in the literature in individuals affected with VPS13B-related conditions. ClinVar contains an entry for this variant (Variation ID: 2013701). Advanced modeling of protein sequence and biophysical properties (such as structural, functional, and spatial information, amino acid conservation, physicochemical variation, residue mobility, and thermodynamic stability) performed at Invitae indicates that this missense variant is expected to disrupt VPS13B protein function with a positive predictive value of 80%. In summary, the available evidence is currently insufficient to determine the role of this variant in disease. Therefore, it has been classified as a Variant of Uncertain Significance.